The following is an entry in ClinVar:

NM_000460.4(THPO):c.953T>C (p.Val318Ala)

Gene: THPO (thrombopoietin; minus strand). Cytogenetic location: 3q27.1.
Variant type: single nucleotide variant.
Coding change: c.953T>C on transcript NM_000460.4 (MANE Select); coding-DNA position 953, T replaced by C.
Protein change: p.Val318Ala; replaces valine 318 with alanine.
Molecular consequence: missense variant. On other transcripts: synonymous variant (4).
Genome position (GRCh38, 1-based): chr3:184,372,622, A>G on the plus strand (T>C on the coding strand, the complement: THPO is on the minus strand). VCF-style: chr3-184372622-A-G. GRCh37 (hg19) VCF-style: chr3-184090410-A-G.
Other names: c.941T>C, p.Val314Ala (NM_001177597.2, NM_001290022.1); c.936T>C, p.Gly312= (NM_001177598.2, NM_001290026.1); c.837T>C, p.Gly279= (NM_001289997.1, NM_001290027.1); c.953T>C, p.Val318Ala (NM_001289998.1, NM_001290028.1); c.1373T>C, p.Val458Ala (NM_001290003.1); c.953T>C (NM_000460.2, NM_000460.3); short protein forms V318A, V458A, V314A.
Identifiers: ClinVar variation 2168717 (VCV002168717.6), dbSNP rs752785857, ClinGen allele CA2734829.

ClinVar aggregate classification (germline): Uncertain significance. Review status: criteria provided, multiple submitters, no conflicts (2 of 4 stars). 3 submissions from 3 submitters: Uncertain significance (3). Last evaluated 2026-02-16.

Conditions:
THPO-related disorder. Also called: THPO-related condition.
Inborn genetic diseases. Identifiers: MedGen C0950123, MeSH D030342.

Allele frequency attached by ClinVar (database versions not stated): TOPMed 0.00004; ExAC 0.00005; gnomAD 0.00005; gnomAD exomes 0.00006.
gnomAD v4.1: 106 of 1,613,456 alleles (0.0066%); highest among the groups gnomAD compares: Middle Eastern, 0.066%; no homozygotes.

Submissions (3):

PreventionGenetics, part of Exact Sciences
Classification: Uncertain significance for THPO-related condition. Last evaluated: 2026-02-16. Review status: criteria provided, single submitter. Criteria: ACMG Guidelines, 2015. Collection method: clinical testing. Allele origin: germline.
Comment: The THPO c.953T>C variant is predicted to result in the amino acid substitution p.Val318Ala. To our knowledge, this variant has not been reported in the literature. This variant is reported in 0.0099% of alleles in individuals of South Asian descent in gnomAD. At this time, the clinical significance of this variant is uncertain due to the absence of conclusive functional and genetic evidence.

Ambry Genetics
Classification: Uncertain significance for Inborn genetic diseases. Last evaluated: 2025-08-25. Review status: criteria provided, single submitter. Criteria: Ambry Variant Classification Scheme 2023. Collection method: clinical testing. Allele origin: germline.

Labcorp Genetics (formerly Invitae), Labcorp
Classification: Uncertain significance. Last evaluated: 2024-09-11. Review status: criteria provided, single submitter. Criteria: Invitae Variant Classification Sherloc (09022015). Collection method: clinical testing. Allele origin: germline.
Comment: This sequence change replaces valine, which is neutral and non-polar, with alanine, which is neutral and non-polar, at codon 318 of the THPO protein (p.Val318Ala). This variant is present in population databases (rs752785857, gnomAD 0.007%). This variant has not been reported in the literature in individuals affected with THPO-related conditions. ClinVar contains an entry for this variant (Variation ID: 2168717). An algorithm developed to predict the effect of missense changes on protein structure and function outputs the following: PolyPhen-2: "Benign". The alanine amino acid residue is found in multiple mammalian species, which suggests that this missense change does not adversely affect protein function. In summary, the available evidence is currently insufficient to determine the role of this variant in disease. Therefore, it has been classified as a Variant of Uncertain Significance.